The following is an entry in ClinVar:

NM_001130987.2(DYSF):c.1822C>T (p.Arg608Cys)

Gene: DYSF (dysferlin; plus strand). Cytogenetic location: 2p13.2.
Variant type: single nucleotide variant.
Coding change: c.1822C>T on transcript NM_001130987.2 (MANE Select); coding-DNA position 1822, C replaced by T.
Protein change: p.Arg608Cys; replaces arginine 608 with cysteine.
Molecular consequence: missense variant.
Genome position (GRCh38, 1-based): chr2:71,553,026, C>T. VCF-style: chr2-71553026-C-T. GRCh37 (hg19) VCF-style: chr2-71780156-C-T.
Other names: c.1771C>T, p.Arg591Cys (NM_001130455.2, NM_001130983.2); c.1726C>T, p.Arg576Cys (NM_001130976.2, NM_001130977.2); c.1768C>T, p.Arg590Cys (NM_001130978.2, NM_003494.4); c.1861C>T, p.Arg621Cys (NM_001130979.2); c.1819C>T, p.Arg607Cys (NM_001130980.2, NM_001130981.2); c.1864C>T, p.Arg622Cys (NM_001130982.2); c.1729C>T, p.Arg577Cys (NM_001130984.2, NM_001130986.2); c.1822C>T, p.Arg608Cys (NM_001130985.2); short protein forms R590C, R608C, R576C, R577C, R591C, R607C, R621C, R622C.
Identifiers: ClinVar variation 195489 (VCV000195489.15), dbSNP rs745472489, ClinGen allele CA241936.

ClinVar aggregate classification (germline): Uncertain significance. Review status: criteria provided, multiple submitters, no conflicts (2 of 4 stars). 6 submissions from 6 submitters: Uncertain significance (5). 1 of the submissions does not count toward it. Last evaluated 2024-10-23.

Conditions:
Inborn genetic diseases. Identifiers: MedGen C0950123, MeSH D030342.
Neuromuscular disease caused by qualitative or quantitative defects of dysferlin. Also called: Dysferlinopathy; Qualitative or quantitative defects of dysferlin. Identifiers: Orphanet 207073, MedGen C2931687, MONDO:0016145.
Autosomal recessive limb-girdle muscular dystrophy type 2B (LGMDR2). Also called: Limb-Girdle Muscular Dystrophy Type 2B (LGMD2B); MUSCULAR DYSTROPHY, LIMB-GIRDLE, TYPE 3; Limb-girdle muscular dystrophy, type 2B; MUSCULAR DYSTROPHY, LIMB-GIRDLE, AUTOSOMAL RECESSIVE 2. Identifiers: Orphanet 268, MedGen C1850889, MONDO:0009676, OMIM 253601.

Allele frequency attached by ClinVar (database versions not stated): gnomAD 0.00001; TOPMed 0.00002; gnomAD exomes 0.00004; ExAC 0.00005.
gnomAD v4.1: 36 of 1,614,144 alleles (0.0022%); highest among the groups gnomAD compares: African/African-American, 0.004%; no homozygotes.

Submissions (6):

Revvity Omics, Revvity
Classification: Uncertain significance. Last evaluated: 2024-10-23. Review status: criteria provided, single submitter. Criteria: ACMG Guidelines, 2015. Collection method: clinical testing. Allele origin: germline.

Blueprint Genetics
Classification: Uncertain significance. Last evaluated: 2024-10-03. Review status: criteria provided, single submitter. Criteria: ACMG Guidelines, 2015. Collection method: clinical testing. Allele origin: germline.

Ambry Genetics
Classification: Uncertain significance for Inborn genetic diseases. Last evaluated: 2022-08-01. Review status: criteria provided, single submitter. Criteria: Ambry Variant Classification Scheme 2023. Collection method: clinical testing. Allele origin: germline.

Labcorp Genetics (formerly Invitae), Labcorp
Classification: Uncertain significance for Neuromuscular disease caused by qualitative or quantitative defects of dysferlin. Last evaluated: 2022-07-11. Review status: criteria provided, single submitter. Criteria: Invitae Variant Classification Sherloc (09022015). Collection method: clinical testing. Allele origin: germline.
Comment: This sequence change replaces arginine, which is basic and polar, with cysteine, which is neutral and slightly polar, at codon 590 of the DYSF protein (p.Arg590Cys). This variant is present in population databases (rs745472489, gnomAD 0.007%). This variant has not been reported in the literature in individuals affected with DYSF-related conditions. ClinVar contains an entry for this variant (Variation ID: 195489). Advanced modeling of protein sequence and biophysical properties (such as structural, functional, and spatial information, amino acid conservation, physicochemical variation, residue mobility, and thermodynamic stability) performed at Invitae indicates that this missense variant is expected to disrupt DYSF protein function. In summary, the available evidence is currently insufficient to determine the role of this variant in disease. Therefore, it has been classified as a Variant of Uncertain Significance.

Eurofins Ntd Llc (ga)
Classification: Uncertain significance. Last evaluated: 2014-11-20. Review status: criteria provided, single submitter. Criteria: EGL Classification Definitions 2015. Collection method: clinical testing. Allele origin: germline. Observed: 1 variant allele, 1 heterozygote.

Natera, Inc.
Classification: Uncertain significance for Limb-girdle muscular dystrophy type 2B. Last evaluated: 2019-10-28. Review status: no assertion criteria provided. Collection method: clinical testing. Allele origin: germline. Not counted in ClinVar's aggregate classification.